The following is an entry in ClinVar:

ClinVar aggregate classification (germline): Benign/Likely benign. Review status: criteria provided, multiple submitters, no conflicts (2 of 4 stars). 7 submissions from 7 submitters: Benign (2); Likely benign (5). Last evaluated 2025-08-13.

Conditions:
Hereditary nonpolyposis colorectal neoplasms. Identifiers: MedGen C0009405, MeSH D003123.
Hereditary cancer-predisposing syndrome. Also called: Neoplastic Syndromes, Hereditary; Hereditary Cancer Syndrome; Tumor predisposition; Hereditary neoplastic syndrome. Identifiers: Orphanet 140162, MedGen C0027672, MeSH D009386, MONDO:0015356.
Lynch syndrome. Identifiers: Orphanet 144, MedGen C4552100, MONDO:0005835. Disease mechanism: loss of function.
Lynch syndrome 5 (LYNCH5). Also called: Colorectal cancer, hereditary nonpolyposis, type 5; Hereditary non-polyposis colorectal cancer, type 5. Identifiers: Orphanet 144, MedGen C1833477, MONDO:0013710, OMIM 614350. Disease mechanism: loss of function.

Allele frequency attached by ClinVar (database versions not stated): gnomAD 0.00001; TOPMed 0.00001.
gnomAD v4.1: 24 of 1,613,380 alleles (0.0015%); highest among the groups gnomAD compares: Non-Finnish European, 0.0019%; no homozygotes.

Submissions (7):

Labcorp Genetics (formerly Invitae), Labcorp
Classification: Likely benign for Hereditary nonpolyposis colorectal neoplasms. Last evaluated: 2025-08-13. Review status: criteria provided, single submitter. Criteria: Invitae Variant Classification Sherloc (09022015). Collection method: clinical testing. Allele origin: germline.

Myriad Genetics, Inc.
Classification: Benign for Lynch syndrome 5. Last evaluated: 2024-12-23. Review status: criteria provided, single submitter. Criteria: Myriad Autosomal Dominant, Autosomal Recessive and X-Linked Classification Criteria (2023). Collection method: clinical testing. Allele origin: unknown.
Comment: This variant is considered benign. This variant is a silent/synonymous amino acid change and it is not expected to impact splicing.

All of Us Research Program, National Institutes of Health
Classification: Likely benign for Lynch syndrome. Last evaluated: 2024-05-30. Review status: criteria provided, single submitter. Criteria: ACMG Guidelines, 2015. Collection method: clinical testing. Allele origin: germline. Inheritance: Autosomal dominant inheritance. Observed: 2 variant alleles, 2 heterozygotes.
Comment: This study involves interpretation of variants in research participants for the purpose of population health screening. Participant phenotype was not available at the time of variant classification. Additional details can be found in publication PMID: 35346344, PMCID: PMC8962531

Color Diagnostics, LLC DBA Color Health
Classification: Likely benign for Hereditary cancer-predisposing syndrome. Last evaluated: 2021-07-14. Review status: criteria provided, single submitter. Criteria: ACMG Guidelines, 2015. Collection method: clinical testing. Allele origin: germline.

Women's Health and Genetics/Laboratory Corporation of America, LabCorp
Classification: Likely benign. Last evaluated: 2019-08-29. Review status: criteria provided, single submitter. Criteria: LabCorp Variant Classification Summary - May 2015. Collection method: clinical testing. Allele origin: germline.

Ambry Genetics
Classification: Likely benign for Hereditary cancer-predisposing syndrome. Last evaluated: 2016-07-20. Review status: criteria provided, single submitter. Criteria: Ambry Variant Classification Scheme 2023. Collection method: clinical testing. Allele origin: germline.

GeneDx
Classification: Benign. Last evaluated: 2014-05-16. Review status: criteria provided, single submitter. Criteria: GeneDx Variant Classification (06012015). Collection method: clinical testing. Allele origin: germline. Affected: yes.
Comment: This variant is considered likely benign or benign based on one or more of the following criteria: it is a conservative change, it occurs at a poorly conserved position in the protein, it is predicted to be benign by multiple in silico algorithms, and/or has population frequency not consistent with disease.

NM_000179.3(MSH6):c.1176T>C (p.Asp392=)

Gene: MSH6 (mutS homolog 6; plus strand). Cytogenetic location: 2p16.3.
Variant type: single nucleotide variant.
Coding change: c.1176T>C on transcript NM_000179.3 (MANE Select); coding-DNA position 1176, T replaced by C.
Protein change: p.Asp392=; no amino-acid change (aspartic acid 392 retained).
Molecular consequence: synonymous variant.
Genome position (GRCh38, 1-based): chr2:47,799,159, T>C. VCF-style: chr2-47799159-T-C. GRCh37 (hg19) VCF-style: chr2-48026298-T-C.
Other names: p.D392D:GAT>GAC; c.786T>C, p.Asp262= (NM_001281492.2); c.270T>C, p.Asp90= (NM_001281493.2, NM_001281494.2).
Identifiers: ClinVar variation 138257 (VCV000138257.22), dbSNP rs587779912, ClinGen allele CA008240.
Genomic context (GRCh38, chr2:47,799,159, plus strand): 5'-GCTTAAGGAGGAAAAGAGAAGAGATGAGCACAGGAGGAGGCCTGATCACCCCGATTTTGA[T>C]GCATCTACACTCTATGTGCCTGAGGATTTCCTCAATTCTTGTACTCCTGGGATGAGGAAG-3'
Protein context (NP_000170.1, residues 382-402): HRRRPDHPDF[Asp392=]ASTLYVPEDF